The following is an entry in ClinVar:

NM_018943.3(TUBA8):c.1239G>T (p.Met413Ile)

Gene: TUBA8 (tubulin alpha 8; plus strand). Cytogenetic location: 22q11.21.
Variant type: single nucleotide variant.
Coding change: c.1239G>T on transcript NM_018943.3 (MANE Select); coding-DNA position 1239, G replaced by T.
Protein change: p.Met413Ile; replaces methionine 413 with isoleucine.
Molecular consequence: missense variant.
Genome position (GRCh38, 1-based): chr22:18,131,025, G>T. VCF-style: chr22-18131025-G-T. GRCh37 (hg19) VCF-style: chr22-18613792-G-T.
Other names: c.1041G>T, p.Met347Ile (NM_001193414.2); short protein forms M347I, M413I.
Identifiers: ClinVar variation 3365571 (VCV003365571.1).

ClinVar aggregate classification (germline): Uncertain significance (1 of 4 stars; one submission).

Submission:

GeneDx
Classification: Uncertain significance. Last evaluated: 2023-12-16. Review status: criteria provided, single submitter. Criteria: GeneDx Variant Classification Process June 2021. Collection method: clinical testing. Allele origin: germline. Affected: yes.
Comment: Not observed at significant frequency in large population cohorts (gnomAD); In silico analysis supports that this missense variant has a deleterious effect on protein structure/function; Has not been previously published as pathogenic or benign to our knowledge